The following is an entry in ClinVar:

ClinVar aggregate classification (germline): Uncertain significance (1 of 4 stars; one submission).

Conditions:
Myopathy, congenital, with tremor. Also called: myogenic tremor; CONGENITAL MYOPATHY 16. Identifiers: MedGen C5231401, MONDO:0032797, OMIM 618524.

Submission:

MVZ Medizinische Genetik Mainz
Classification: Uncertain significance for Myopathy, congenital, with tremor. Last evaluated: 2025-04-07. Review status: criteria provided, single submitter. Criteria: UK Practice Guidelines For Variant Classification V4 01 2020. Collection method: clinical testing. Allele origin: germline. Inheritance: Autosomal dominant inheritance. Affected: yes. Observed: 1 variant allele.
Comment: ACMG Criteria: PM1_SUP,PM2_SUP,PP3

NM_002465.4(MYBPC1):c.644T>C (p.Phe215Ser)

Gene: MYBPC1 (myosin binding protein C1; plus strand). Cytogenetic location: 12q23.2.
Variant type: single nucleotide variant.
Coding change: c.644T>C on transcript NM_002465.4 (MANE Select); coding-DNA position 644, T replaced by C.
Protein change: p.Phe215Ser; replaces phenylalanine 215 with serine.
Molecular consequence: missense variant. On other transcripts: intron variant (6).
Genome position (GRCh38, 1-based): chr12:101,636,707, T>C. VCF-style: chr12-101636707-T-C. GRCh37 (hg19) VCF-style: chr12-102030485-T-C.
Other names: c.569T>C, p.Phe190Ser (NM_001254718.3, NM_001254719.3, NM_206820.4 and 1 more transcripts); c.533T>C, p.Phe178Ser (NM_001254720.3); c.491T>C, p.Phe164Ser (NM_001254722.3, NM_001404680.1); c.530T>C, p.Phe177Ser (NM_001254723.3); c.644T>C, p.Phe215Ser (NM_001404675.1, NM_206819.4); c.533+2102T>C (NM_001254721.3, NM_001404678.1, NM_001404676.1); c.455+2102T>C (NM_001404679.1, NM_001404681.1, NM_001404677.1); short protein forms F164S, F177S, F178S, F190S, F215S.
Identifiers: ClinVar variation 3894562 (VCV003894562.1).